The following is an entry in ClinVar:

NM_000540.3(RYR1):c.6716T>G (p.Phe2239Cys)

Gene: RYR1 (ryanodine receptor 1; plus strand). Cytogenetic location: 19q13.2.
Variant type: single nucleotide variant.
Coding change: c.6716T>G on transcript NM_000540.3 (MANE Select); coding-DNA position 6716, T replaced by G.
Protein change: p.Phe2239Cys; replaces phenylalanine 2239 with cysteine.
Molecular consequence: missense variant.
Genome position (GRCh38, 1-based): chr19:38,496,461, T>G. VCF-style: chr19-38496461-T-G. GRCh37 (hg19) VCF-style: chr19-38987101-T-G.
Other names: c.6716T>G, p.Phe2239Cys (NM_001042723.2); short protein forms F2239C.
Identifiers: ClinVar variation 2960781 (VCV002960781.4), dbSNP rs2514288930, ClinGen allele CA405666274.

ClinVar aggregate classification (germline): Uncertain significance. Review status: criteria provided, multiple submitters, no conflicts (2 of 4 stars). 2 submissions from 2 submitters: Uncertain significance (2). Last evaluated 2025-08-07.

Conditions:
RYR1-related disorder. Also called: RYR1-related disorders; RYR1-related condition. Identifiers: MedGen CN239331.
Malignant hyperthermia, susceptibility to, 1 (MHS1). Also called: Malignant hyperthermia suceptibility 1; Anesthesia related hyperthermia; Malignant hyperpyrexia; Fulminating hyperpyrexia; Pharmacogenic myopathy; RYR1-Related Malignant Hyperthermia Susceptibility. Identifiers: Orphanet 423, MedGen C2930980, MONDO:0007783, OMIM 145600.

Allele frequency attached by ClinVar (database versions not stated): gnomAD exomes below 0.00001.
gnomAD v4.1: 1 of 1,613,792 alleles (0.000062%); highest among the groups gnomAD compares: Non-Finnish European, 0.000085%; no homozygotes.

Submissions (2):

Color Diagnostics, LLC DBA Color Health
Classification: Uncertain significance for Malignant hyperthermia, susceptibility to, 1. Last evaluated: 2025-08-07. Review status: criteria provided, single submitter. Criteria: ACMG Guidelines, 2015. Collection method: clinical testing. Allele origin: germline.
Comment: This missense variant replaces phenylalanine with cysteine at codon 2239 of the RYR1 protein. Computational prediction suggests that this variant may have deleterious impact on protein structure and function. To our knowledge, functional studies have not been reported for this variant. This variant has not been reported in individuals affected with RYR1-related disorders in the literature. This variant has not been identified in the general population by the Genome Aggregation Database (gnomAD). The available evidence is insufficient to determine the role of this variant in disease conclusively. Therefore, this variant is classified as a Variant of Uncertain Significance.

Labcorp Genetics (formerly Invitae), Labcorp
Classification: Uncertain significance for RYR1-related disorder. Last evaluated: 2024-03-13. Review status: criteria provided, single submitter. Criteria: Invitae Variant Classification Sherloc (09022015). Collection method: clinical testing. Allele origin: germline.
Comment: This sequence change replaces phenylalanine, which is neutral and non-polar, with cysteine, which is neutral and slightly polar, at codon 2239 of the RYR1 protein (p.Phe2239Cys). This variant is not present in population databases (gnomAD no frequency). This variant has not been reported in the literature in individuals affected with RYR1-related conditions. Advanced modeling of protein sequence and biophysical properties (such as structural, functional, and spatial information, amino acid conservation, physicochemical variation, residue mobility, and thermodynamic stability) performed at Invitae indicates that this missense variant is expected to disrupt RYR1 protein function with a positive predictive value of 95%. In summary, the available evidence is currently insufficient to determine the role of this variant in disease. Therefore, it has been classified as a Variant of Uncertain Significance.